The following is an entry in ClinVar:

ClinVar aggregate classification (germline): Uncertain significance (1 of 4 stars; one submission).

Submission:

Labcorp Genetics (formerly Invitae), Labcorp
Classification: Uncertain significance. Last evaluated: 2023-06-27. Review status: criteria provided, single submitter. Criteria: Invitae Variant Classification Sherloc (09022015). Collection method: clinical testing. Allele origin: germline.
Comment: In summary, the available evidence is currently insufficient to determine the role of this variant in disease. Therefore, it has been classified as a Variant of Uncertain Significance. Advanced modeling of protein sequence and biophysical properties (such as structural, functional, and spatial information, amino acid conservation, physicochemical variation, residue mobility, and thermodynamic stability) has been performed at Invitae for this missense variant, however the output from this modeling did not meet the statistical confidence thresholds required to predict the impact of this variant on KMT2B protein function. This variant has not been reported in the literature in individuals affected with KMT2B-related conditions. This variant is not present in population databases (gnomAD no frequency). This sequence change replaces leucine, which is neutral and non-polar, with valine, which is neutral and non-polar, at codon 2197 of the KMT2B protein (p.Leu2197Val).

NM_014727.3(KMT2B):c.6589C>G (p.Leu2197Val)

Gene: KMT2B (lysine methyltransferase 2B; plus strand). Cytogenetic location: 19q13.12.
Variant type: single nucleotide variant.
Coding change: c.6589C>G on transcript NM_014727.3 (MANE Select); coding-DNA position 6589, C replaced by G.
Protein change: p.Leu2197Val; replaces leucine 2197 with valine.
Molecular consequence: missense variant.
Genome position (GRCh38, 1-based): chr19:35,733,138, C>G. VCF-style: chr19-35733138-C-G. GRCh37 (hg19) VCF-style: chr19-36224039-C-G.
Other names: short protein forms L2197V.
Identifiers: ClinVar variation 2729981 (VCV002729981.3), dbSNP rs2513354430, ClinGen allele CA405429414.